The following is an entry in ClinVar:

NM_001040108.2(MLH3):c.4091-1G>A

Gene: MLH3 (mutL homolog 3; minus strand). Cytogenetic location: 14q24.3.
Variant type: single nucleotide variant.
Coding change: c.4091-1G>A on transcript NM_001040108.2 (MANE Select); the canonical splice acceptor site of the intron before coding-DNA position 4091, G replaced by A.
Molecular consequence: splice acceptor variant.
Genome position (GRCh38, 1-based): chr14:75,018,981, C>T on the plus strand (G>A on the coding strand, the complement: MLH3 is on the minus strand). VCF-style: chr14-75018981-C-T. GRCh37 (hg19) VCF-style: chr14-75485684-C-T.
Other names: c.4019-1G>A (NM_014381.3).
Identifiers: ClinVar variation 3873504 (VCV003873504.3).

ClinVar aggregate classification (germline): Likely pathogenic. Review status: criteria provided, multiple submitters, no conflicts (2 of 4 stars). 2 submissions from 2 submitters: Likely pathogenic (2). Last evaluated 2026-08-18.

Conditions:
Colorectal cancer, hereditary nonpolyposis, type 7. Identifiers: Orphanet 144, MedGen C1858380, MONDO:0013725, OMIM 614385.

Submissions (2):

Myriad Genetics, Inc.
Classification: Likely pathogenic for Colorectal cancer, hereditary nonpolyposis, type 7. Last evaluated: 2026-08-18. Review status: criteria provided, single submitter. Criteria: Myriad Autosomal Dominant, Autosomal Recessive and X-Linked Classification Criteria (2023). Collection method: clinical testing. Allele origin: unknown.
Comment: This variant is considered likely pathogenic. This variant occurs within a consensus splice junction and is predicted to result in abnormal mRNA splicing of either an out-of-frame exon or an in-frame exon necessary for protein stability and/or normal function.

Ambry Genetics
Classification: Likely pathogenic. Last evaluated: 2026-07-14. Review status: criteria provided, single submitter. Criteria: Ambry Variant Classification Scheme 2023. Collection method: clinical testing. Allele origin: germline.
Comment: The c.4091-1G>A intronic variant results from a G to A substitution one nucleotide upstream from coding exon 11 of the MLH3 gene. This nucleotide position is highly conserved in available vertebrate species. In silico splice site analysis predicts that this alteration will weaken the native splice acceptor site and will result in the creation or strengthening of a novel splice acceptor site. RNA studies have demonstrated that this variant results in abnormal splicing in the set of samples tested (Ambry internal data). Alterations that disrupt the canonical splice site are expected to cause aberrant splicing, resulting in an abnormal protein or a transcript that is subject to nonsense-mediated mRNA decay. Based on the majority of available evidence to date, this variant is likely to be pathogenic.